The following is an entry in ClinVar:

NM_005689.4(ABCB6):c.790G>A (p.Val264Met)

Gene: ABCB6 (ATP binding cassette subfamily B member 6 (LAN blood group); minus strand). Cytogenetic location: 2q35.
Variant type: single nucleotide variant.
Coding change: c.790G>A on transcript NM_005689.4 (MANE Select); coding-DNA position 790, G replaced by A.
Protein change: p.Val264Met; replaces valine 264 with methionine.
Molecular consequence: missense variant.
Genome position (GRCh38, 1-based): chr2:219,216,730, C>T on the plus strand (G>A on the coding strand, the complement: ABCB6 is on the minus strand). VCF-style: chr2-219216730-C-T. GRCh37 (hg19) VCF-style: chr2-220081452-C-T.
Other names: c.652G>A, p.Val218Met (NM_001349828.2); short protein forms V218M, V264M.
Identifiers: ClinVar variation 3292901 (VCV003292901.2).
Genomic context (GRCh38, chr2:219,216,730, plus strand): 5'-TAGGCACCAACACATTGAGTGCCCGTTCCAAACCCATGAGCCCCAGGCAGATGAGCACCA[C>T]CAGCTGCAGAGCTGGACTCCCTCGAGGCCACAGGTAGCCACTCAGGAGGCGGAGCTTCCT-3'
Protein context (NP_005680.1, residues 254-274): WPRGSPALQL[Val264Met]VLICLGLMGL

ClinVar aggregate classification (germline): Uncertain significance (1 of 4 stars; one submission).

Conditions:
Inborn genetic diseases. Identifiers: MedGen C0950123, MeSH D030342.

Submission:

Ambry Genetics
Classification: Uncertain significance for Inborn genetic diseases. Last evaluated: 2026-07-29. Review status: criteria provided, single submitter. Criteria: Ambry Variant Classification Scheme 2023. Collection method: clinical testing. Allele origin: germline.
Comment: The c.790G>A (p.V264M) alteration is located in exon 3 (coding exon 3) of the ABCB6 gene. This alteration results from a G to A substitution at nucleotide position 790, causing the valine (V) at amino acid position 264 to be replaced by a methionine (M). Based on data from gnomAD, the A allele has an overall frequency of 0.003% (8/268372) total alleles studied. The highest observed frequency was 0.017% (4/23438) of African alleles. Based on insufficient or conflicting evidence, the clinical significance of this alteration remains unclear.